The following is an entry in ClinVar:

ClinVar aggregate classification (germline): Benign/Likely benign. Review status: criteria provided, multiple submitters, no conflicts (2 of 4 stars). 18 submissions from 17 submitters: Benign (13); Likely benign (1). 4 of the submissions do not count toward it. Last evaluated 2026-02-27.

Conditions:
Hereditary cancer-predisposing syndrome. Also called: Hereditary Cancer Syndrome; Tumor predisposition; Hereditary neoplastic syndrome; Neoplastic Syndromes, Hereditary. Identifiers: Orphanet 140162, MedGen C0027672, MeSH D009386, MONDO:0015356.
Cardiovascular phenotype. Identifiers: MedGen CN230736.
Neurofibromatosis, type 1 (NF1). Also called: VON RECKLINGHAUSEN DISEASE; NEUROFIBROMATOSIS, TYPE I, SOMATIC; Peripheral type neurofibromatosis; Neurofibromatosis, type I. Identifiers: Orphanet 636, MedGen C0027831, MONDO:0018975, OMIM 162200. Disease mechanism: loss of function.
Neurofibromatosis, familial spinal (FSNF). Identifiers: Orphanet 636, MedGen C1834235, MONDO:0008078, OMIM 162210. Disease mechanism: loss of function.

Allele frequency attached by ClinVar (database versions not stated): 1000 Genomes Project 0.00559; 1000 Genomes Project 30x 0.00578; TOPMed 0.01473; gnomAD 0.01502 and 0.01543; gnomAD exomes 0.01715; ExAC 0.01759; ESP Exome Variant Server 0.01822.
gnomAD v4.1: 30,912 of 1,611,400 alleles (1.9%); highest among the groups gnomAD compares: Middle Eastern, 2.8%; 348 homozygotes.

Submissions (18):

Myriad Genetics, Inc.
Classification: Benign for Neurofibromatosis, type 1. Last evaluated: 2026-02-27. Review status: criteria provided, single submitter. Criteria: Myriad Autosomal Dominant, Autosomal Recessive and X-Linked Classification Criteria (2023). Collection method: clinical testing. Allele origin: unknown.
Comment: This variant is considered benign. This variant is intronic and is not expected to impact mRNA splicing. This variant has been observed at a population frequency that is significantly greater than expected given the associated disease prevalence and penetrance.

Labcorp Genetics (formerly Invitae), Labcorp
Classification: Benign for Neurofibromatosis, type 1. Last evaluated: 2026-02-04. Review status: criteria provided, single submitter. Criteria: Invitae Variant Classification Sherloc (09022015). Collection method: clinical testing. Allele origin: germline.

ARUP Laboratories, Molecular Genetics and Genomics, ARUP Laboratories
Classification: Benign. Last evaluated: 2025-07-31. Review status: criteria provided, single submitter. Criteria: ARUP Molecular Germline Variant Investigation Process 2024. Collection method: clinical testing. Allele origin: germline.

Center for Genomic Medicine, Rigshospitalet, Copenhagen University Hospital
Classification: Benign. Last evaluated: 2025-03-04. Review status: criteria provided, single submitter. Criteria: ACMG Guidelines, 2015. Collection method: clinical testing. Allele origin: germline.

KCCC/NGS Laboratory, Kuwait Cancer Control Center
Classification: Benign for Neurofibromatosis, type 1. Last evaluated: 2025-02-01. Review status: criteria provided, single submitter. Criteria: ACMG Guidelines, 2015. Collection method: clinical testing. Allele origin: germline. Affected: no.

Blueprint Genetics
Classification: Likely benign. Last evaluated: 2024-11-26. Review status: criteria provided, single submitter. Criteria: ACMG Guidelines, 2015. Collection method: clinical testing. Allele origin: germline.

Athena Diagnostics
Classification: Benign. Last evaluated: 2024-11-15. Review status: criteria provided, single submitter. Criteria: Athena Diagnostics Criteria. Collection method: clinical testing. Allele origin: unknown.

KCCC/NGS Laboratory, Kuwait Cancer Control Center
Classification: Benign for Neurofibromatosis, familial spinal. Last evaluated: 2023-07-07. Review status: criteria provided, single submitter. Criteria: ACMG Guidelines, 2015. Collection method: clinical testing. Allele origin: germline. Affected: yes.

Genome-Nilou Lab
Classification: Benign for Neurofibromatosis, type 1. Last evaluated: 2022-03-15. Review status: criteria provided, single submitter. Criteria: ACMG Guidelines, 2015. Collection method: clinical testing. Allele origin: germline. Affected: no.

GeneDx
Classification: Benign. Last evaluated: 2017-07-05. Review status: criteria provided, single submitter. Criteria: GeneDx Variant Classification (06012015). Collection method: clinical testing. Allele origin: germline. Affected: yes.
Comment: This variant is considered likely benign or benign based on one or more of the following criteria: it is a conservative change, it occurs at a poorly conserved position in the protein, it is predicted to be benign by multiple in silico algorithms, and/or has population frequency not consistent with disease.

Women's Health and Genetics/Laboratory Corporation of America, LabCorp
Classification: Benign. Last evaluated: 2016-05-11. Review status: criteria provided, single submitter. Criteria: LabCorp Variant Classification Summary - May 2015. Collection method: clinical testing. Allele origin: germline.
Comment: Variant summary: The NF1 c.2851-16T>C variant involves the alteration of a non-conserved intronic nucleotide. 5/5 programs in Alamut predict that this variant does not affect normal splicing, however no functional studies supporting this notion were published at the time of evaluation. This variant was found in 2130/121080 control chromosomes (29 homozygotes), predominantly observed in the European (Non-Finnish), subpopulation at a frequency of 0.0253362 (1688/66624). This frequency is about 122 times the estimated maximal expected allele frequency of a pathogenic NF1 variant (0.0002084), suggesting this is likely a benign polymorphism found primarily in the populations of European (Non-Finnish) descent. Taken together, based on the prevalence in general population, this variant was classified as Benign.

Ambry Genetics
Classification: Benign for Cardiovascular phenotype; Hereditary cancer-predisposing syndrome. Last evaluated: 2014-07-14. Review status: criteria provided, single submitter. Criteria: Ambry Variant Classification Scheme 2023. Collection method: clinical testing. Allele origin: germline.

Breakthrough Genomics
Classification: Benign. Review status: criteria provided, single submitter. Criteria: ACMG Guidelines, 2015. Collection method: not provided. Allele origin: germline. Inheritance: Autosomal dominant inheritance. Affected: yes.

PreventionGenetics, part of Exact Sciences
Classification: Benign. Review status: criteria provided, single submitter. Criteria: ACMG Guidelines, 2015. Collection method: clinical testing. Allele origin: germline.

Clinical Genetics DNA and cytogenetics Diagnostics Lab, Erasmus MC, Erasmus Medical Center
Classification: Benign. Review status: no assertion criteria provided. Collection method: clinical testing. Allele origin: germline. Affected: yes. Study: VKGL Data-share Consensus. Not counted in ClinVar's aggregate classification.

Genome Diagnostics Laboratory, Amsterdam University Medical Center
Classification: Benign. Review status: no assertion criteria provided. Collection method: clinical testing. Allele origin: germline. Affected: yes. Study: VKGL Data-share Consensus. Not counted in ClinVar's aggregate classification.

Joint Genome Diagnostic Labs from Nijmegen and Maastricht, Radboudumc and MUMC+
Classification: Benign. Review status: no assertion criteria provided. Collection method: clinical testing. Allele origin: germline. Affected: yes. Study: VKGL Data-share Consensus. Not counted in ClinVar's aggregate classification.

Laboratory of Diagnostic Genome Analysis, Leiden University Medical Center (LUMC)
Classification: Benign. Review status: no assertion criteria provided. Collection method: clinical testing. Allele origin: germline. Affected: yes. Study: VKGL Data-share Consensus. Not counted in ClinVar's aggregate classification.

Literature cited by the submitters: PubMed 16786508 (cited by Athena Diagnostics); PubMed 21732117 (cited by Athena Diagnostics); PubMed 16944272 (cited by Athena Diagnostics); PubMed 23407919 (cited by Athena Diagnostics); PubMed 22155606 (cited by Athena Diagnostics); PubMed 15060124 (cited by Women's Health and Genetics/Laboratory Corporation of America, LabCorp).

NM_001042492.3(NF1):c.2851-16T>C

Gene: NF1 (neurofibromin 1; plus strand). Cytogenetic location: 17q11.2.
Variant type: single nucleotide variant.
Coding change: c.2851-16T>C on transcript NM_001042492.3 (MANE Select); 16 bases into the intron before coding-DNA position 2851, T replaced by C.
Molecular consequence: intron variant.
Genome position (GRCh38, 1-based): chr17:31,229,819, T>C. VCF-style: chr17-31229819-T-C. GRCh37 (hg19) VCF-style: chr17-29556837-T-C.
Other names: c.2851-16T>C (NM_000267.4).
Identifiers: ClinVar variation 257282 (VCV000257282.43), dbSNP rs17880825, ClinGen allele CA8486045.